The following is an entry in ClinVar:

ClinVar aggregate classification (germline): Conflicting classifications of pathogenicity. Review status: criteria provided, conflicting classifications (1 of 4 stars). 9 submissions from 9 submitters: Uncertain significance (7); Likely benign (1). 1 of the submissions does not count toward it. Last evaluated 2025-12-01.

Conditions:
TARDBP-related disorder. Also called: TARDBP-related condition.
Amyotrophic lateral sclerosis type 10 (ALS10). Also called: TARDBP-Related Amyotrophic Lateral Sclerosis-Frontotemporal Dementia; AMYOTROPHIC LATERAL SCLEROSIS 10 WITHOUT FRONTOTEMPORAL DEMENTIA AND WITH TDP43 INCLUSIONS; AMYOTROPHIC LATERAL SCLEROSIS 10 WITH OR WITHOUT FRONTOTEMPORAL DEMENTIA AND WITH TDP43 INCLUSIONS; Amyotrophic lateral sclerosis 10, with or without FTD; AMYOTROPHIC LATERAL SCLEROSIS 10 WITH OR WITHOUT FRONTOTEMPORAL DEMENTIA. Identifiers: Orphanet 275872, Orphanet 803, MedGen C2677565, MONDO:0012790, OMIM 612069.
FRONTOTEMPORAL LOBAR DEGENERATION WITH TDP43 INCLUSIONS, TARDBP-RELATED. Also called: Frontotemporal lobar degeneration, TARDBP-related. Identifiers: MedGen C3150169, OMIM 612069.
Inborn genetic diseases. Identifiers: MedGen C0950123, MeSH D030342.
Parkinsonian disorder. Also called: Parkinsonism. Identifiers: MedGen C0242422, MONDO:0021095, HP:0001300.

Allele frequency attached by ClinVar (database versions not stated): gnomAD 0.00022; ESP Exome Variant Server 0.00023; 1000 Genomes Project below 0.00001; TOPMed 0.00029; 1000 Genomes Project 30x 0.00031.
gnomAD v4.1: 671 of 1,614,166 alleles (0.042%); highest among the groups gnomAD compares: Non-Finnish European, 0.054%; 1 homozygote.

Submissions (9):

CeGaT Center for Human Genetics Tuebingen
Classification: Uncertain significance. Last evaluated: 2025-12-01. Review status: criteria provided, single submitter. Criteria: CeGaT Center For Human Genetics Tuebingen Variant Classification Criteria Version 2. Collection method: clinical testing. Allele origin: germline. Affected: yes. Observed: 5 variant alleles.
Comment: TARDBP: PP2, PP3

Labcorp Genetics (formerly Invitae), Labcorp
Classification: Uncertain significance for Amyotrophic lateral sclerosis type 10; FRONTOTEMPORAL LOBAR DEGENERATION WITH TDP43 INCLUSIONS, TARDBP-RELATED. Last evaluated: 2025-10-02. Review status: criteria provided, single submitter. Criteria: Invitae Variant Classification Sherloc (09022015). Collection method: clinical testing. Allele origin: germline.
Comment: This sequence change replaces alanine, which is neutral and non-polar, with valine, which is neutral and non-polar, at codon 90 of the TARDBP protein (p.Ala90Val). This variant is present in population databases (rs80356715, gnomAD 0.04%), and has an allele count higher than expected for a pathogenic variant. This missense change has been observed in individual(s) with amyotrophic lateral sclerosis (PMID: 18309045, 18372902, 18505686, 18545701, 19224587, 19760257, 20555136, 22456481, 22645277, 23327806, 28430856, 28889094, 31996268). ClinVar contains an entry for this variant (Variation ID: 21481). Invitae Evidence Modeling of protein sequence and biophysical properties (such as structural, functional, and spatial information, amino acid conservation, physicochemical variation, residue mobility, and thermodynamic stability) indicates that this missense variant is not expected to disrupt TARDBP protein function with a negative predictive value of 80%. Experimental studies are conflicting or provide insufficient evidence to determine the effect of this variant on TARDBP function (PMID: 18505686, 24143176, 25442115, 26883171, 28286471, 28335005, 38139294). In summary, the available evidence is currently insufficient to determine the role of this variant in disease. Therefore, it has been classified as a Variant of Uncertain Significance.

PreventionGenetics, part of Exact Sciences
Classification: Uncertain significance for TARDBP-related condition. Last evaluated: 2025-09-15. Review status: criteria provided, single submitter. Criteria: ACMG Guidelines, 2015. Collection method: clinical testing. Allele origin: germline.
Comment: The TARDBP c.269C>T variant is predicted to result in the amino acid substitution p.Ala90Val. This variant has been reported in unrelated individuals with amyotrophic lateral sclerosis; however, it has also been reported at similar frequencies within control cohorts (see, for example, Czell et al. 2013. PubMed ID: 23327806; Morgan et al. 2017. PubMed ID: 28430856; Sreedharan et al. 2008. PubMed ID: 18309045; van Blitterswijk et al. 2012. PubMed ID: 22645277). In vitro functional studies showed the p.Ala90Val variant resulted in cytoplasmic retention of the TDP-43 protein, and the slower kinetics associated with this variant may correspond with a delayed disease progression (Winton et al. 2008. PubMed ID: 18505686; Rojas et al. 2023. PubMed ID: 37645251). This variant is reported in 0.044% of alleles in individuals of European (non-Finnish) descent in gnomAD. At this time, the clinical significance of this variant is uncertain due to the absence of conclusive functional and genetic evidence.

GeneDx
Classification: Uncertain significance. Last evaluated: 2025-04-24. Review status: criteria provided, single submitter. Criteria: GeneDx Variant Classification Process June 2021. Collection method: clinical testing. Allele origin: germline. Affected: yes.
Comment: Variant has been observed in individuals with ALS and Alzheimer disease, as well as in unaffected controls (PMID: 18505686, 28430856, 18309045, 22645277); Functional studies demonstrate that A90V leads to partial re-localization of TDP-43 from the nucleus, where it normally resides, to the cytoplasm where it forms aggregates; however this alone may not be sufficient to cause ALS/FTD (PMID: 28286471, 18505686); In silico analysis indicates that this missense variant does not alter protein structure/function; This variant is associated with the following publications: (PMID: 26883171, 19224587, 28510586, 18372902, 23327806, 24143176, 18545701, 25525159, 28889094, 28335005, 25442115, 19760257, 18505686, 22456481, 18309045, 28430856, 22645277, 20555136, 31996268, 33151007, 35499795, 34930382, 34412568, 34697451, 35047667, 29886477, 37645251, 28286471)

Ambry Genetics
Classification: Likely benign for Inborn genetic diseases. Last evaluated: 2023-09-15. Review status: criteria provided, single submitter. Criteria: Ambry Variant Classification Scheme 2023. Collection method: clinical testing. Allele origin: germline.

Human Genetics Bochum, Ruhr University Bochum
Classification: Uncertain significance for Amyotrophic lateral sclerosis type 10. Last evaluated: 2022-07-29. Review status: criteria provided, single submitter. Criteria: ACMG Guidelines, 2015. Collection method: clinical testing. Allele origin: germline. Affected: yes.
Comment: ACMG criteria used to clasify this variant: PM2, PP2

Cambridge Genomics Laboratory, East Genomic Laboratory Hub, NHS Genomic Medicine Service
Classification: Uncertain significance for Parkinsonian disorder. Last evaluated: 2020-01-10. Review status: criteria provided, single submitter. Criteria: ACGS Best Practice Guidelines for Variant Classification in Rare Disease 2020. Collection method: clinical testing. Allele origin: germline. Affected: yes. Observed: 1 variant allele.

Illumina Laboratory Services, Illumina
Classification: Uncertain significance for Amyotrophic lateral sclerosis type 10. Last evaluated: 2017-04-27. Review status: criteria provided, single submitter. Criteria: ICSL Variant Classification Criteria 13 December 2019. Collection method: clinical testing. Allele origin: germline.
Comment: This variant was observed as part of a predisposition screen in an ostensibly healthy population. A literature search was performed for the gene, cDNA change, and amino acid change (where applicable). Publications were found based on this search. However, the evidence from the literature, in combination with allele frequency data from public databases where available, was not sufficient to rule this variant in or out of causing disease. Therefore, this variant is classified as a variant of unknown significance.

GeneReviews
No classification provided. Condition: Amyotrophic lateral sclerosis type 10. Review status: no classification provided. Collection method: literature only. Allele origin: germline. Affected: yes. Not counted in ClinVar's aggregate classification.
Comment: May be a variant that is normal or confers susceptibility to FTD/ALS.

Literature cited by the submitters: PubMed 18309045 (cited by Labcorp Genetics (formerly Invitae), Labcorp and GeneReviews); PubMed 18372902 (cited by Labcorp Genetics (formerly Invitae), Labcorp and GeneReviews); PubMed 18505686 (cited by Labcorp Genetics (formerly Invitae), Labcorp and GeneReviews); PubMed 18545701 (cited by Labcorp Genetics (formerly Invitae), Labcorp and GeneReviews); PubMed 19224587 (cited by Labcorp Genetics (formerly Invitae), Labcorp); PubMed 19760257 (cited by Labcorp Genetics (formerly Invitae), Labcorp); PubMed 20555136 (cited by Labcorp Genetics (formerly Invitae), Labcorp); PubMed 22456481 (cited by Labcorp Genetics (formerly Invitae), Labcorp and Illumina Laboratory Services, Illumina); PubMed 22645277 (cited by Labcorp Genetics (formerly Invitae), Labcorp); PubMed 23327806 (cited by Labcorp Genetics (formerly Invitae), Labcorp); PubMed 28430856 (cited by Labcorp Genetics (formerly Invitae), Labcorp); PubMed 28889094 (cited by Labcorp Genetics (formerly Invitae), Labcorp); PubMed 31996268 (cited by Labcorp Genetics (formerly Invitae), Labcorp); PubMed 24143176 (cited by Labcorp Genetics (formerly Invitae), Labcorp); PubMed 25442115 (cited by Labcorp Genetics (formerly Invitae), Labcorp); PubMed 26883171 (cited by Labcorp Genetics (formerly Invitae), Labcorp); PubMed 28286471 (cited by Labcorp Genetics (formerly Invitae), Labcorp); PubMed 28335005 (cited by Labcorp Genetics (formerly Invitae), Labcorp); PubMed 38139294 (cited by Labcorp Genetics (formerly Invitae), Labcorp); NCBI Bookshelf NBK5942 (cited by GeneReviews).

NM_007375.4(TARDBP):c.269C>T (p.Ala90Val)

Gene: TARDBP (TAR DNA binding protein; plus strand). Cytogenetic location: 1p36.22.
Variant type: single nucleotide variant.
Coding change: c.269C>T on transcript NM_007375.4 (MANE Select); coding-DNA position 269, C replaced by T.
Protein change: p.Ala90Val; replaces alanine 90 with valine.
Molecular consequence: missense variant.
Genome position (GRCh38, 1-based): chr1:11,016,874, C>T. VCF-style: chr1-11016874-C-T. GRCh37 (hg19) VCF-style: chr1-11076931-C-T.
Identifiers: ClinVar variation 21481 (VCV000021481.53), dbSNP rs80356715, ClinGen allele CA586343.